The following is an entry in ClinVar:

ClinVar aggregate classification (germline): Pathogenic (1 of 4 stars; one submission).

Conditions:
Muscular dystrophy-dystroglycanopathy (congenital with brain and eye anomalies), type a, 8 (MDDGA8). Also called: WALKER-WARBURG SYNDROME OR MUSCLE-EYE-BRAIN DISEASE, GTDC2-RELATED. Identifiers: Orphanet 899, MedGen C3553813, MONDO:0013904, OMIM 614830.

Submission:

Labcorp Genetics (formerly Invitae), Labcorp
Classification: Pathogenic for Muscular dystrophy-dystroglycanopathy (congenital with brain and eye anomalies), type a, 8. Last evaluated: 2023-07-17. Review status: criteria provided, single submitter. Criteria: Invitae Variant Classification Sherloc (09022015). Collection method: clinical testing. Allele origin: germline.
Comment: For these reasons, this variant has been classified as Pathogenic. This variant disrupts a region of the POMGNT2 protein in which other variant(s) (p.Glu519*) have been determined to be pathogenic (Invitae). This suggests that this is a clinically significant region of the protein, and that variants that disrupt it are likely to be disease-causing. ClinVar contains an entry for this variant (Variation ID: 1400524). This variant has not been reported in the literature in individuals affected with POMGNT2-related conditions. This variant is not present in population databases (gnomAD no frequency). This sequence change creates a premature translational stop signal (p.Arg40*) in the POMGNT2 gene. While this is not anticipated to result in nonsense mediated decay, it is expected to disrupt the last 541 amino acid(s) of the POMGNT2 protein.

NM_032806.6(POMGNT2):c.118C>T (p.Arg40Ter)

Gene: POMGNT2 (protein O-linked mannose N-acetylglucosaminyltransferase 2 (beta 1,4-); minus strand). Cytogenetic location: 3p22.1.
Variant type: single nucleotide variant.
Coding change: c.118C>T on transcript NM_032806.6 (MANE Select); coding-DNA position 118, C replaced by T.
Protein change: p.Arg40Ter; replaces arginine 40 with a stop codon.
Molecular consequence: nonsense.
Genome position (GRCh38, 1-based): chr3:43,081,314, G>A on the plus strand (C>T on the coding strand, the complement: POMGNT2 is on the minus strand). VCF-style: chr3-43081314-G-A. GRCh37 (hg19) VCF-style: chr3-43122806-G-A.
Other names: short protein forms R40*.
Identifiers: ClinVar variation 1400524 (VCV001400524.6), dbSNP rs2089853535, ClinGen allele CA352303902.
Genomic context (GRCh38, chr3:43,081,314, plus strand): 5'-GGATCTGCAGTGCCTTCGGGTAGTCGATCCTCAGTGCTGGGGCTGGCTCTGTGGCCTGTC[G>A]GCTGAGGGCCAGCTCCTCCTCCAGTGTGGCTGCATGCTCACGCAGCCGCACATGCTTCCA-3'